The following is an entry in ClinVar:

ClinVar aggregate classification (germline): Uncertain significance (1 of 4 stars; one submission).

Submission:

GeneDx
Classification: Uncertain significance. Last evaluated: 2025-02-13. Review status: criteria provided, single submitter. Criteria: GeneDx Variant Classification Process June 2021. Collection method: clinical testing. Allele origin: germline. Affected: yes.
Comment: Not observed at significant frequency in large population cohorts (gnomAD); In silico analysis supports that this missense variant has a deleterious effect on protein structure/function; Has not been previously published as pathogenic or benign to our knowledge

NM_057175.5(NAA15):c.383G>A (p.Arg128Gln)

Gene: NAA15 (N-alpha-acetyltransferase 15, NatA auxiliary subunit; plus strand). Cytogenetic location: 4q31.1.
Variant type: single nucleotide variant.
Coding change: c.383G>A on transcript NM_057175.5 (MANE Select); coding-DNA position 383, G replaced by A.
Protein change: p.Arg128Gln; replaces arginine 128 with glutamine.
Molecular consequence: missense variant.
Genome position (GRCh38, 1-based): chr4:139,341,050, G>A. VCF-style: chr4-139341050-G-A. GRCh37 (hg19) VCF-style: chr4-140262204-G-A.
Other names: c.383G>A, p.Arg128Gln (NM_001410842.1); short protein forms R128Q.
Identifiers: ClinVar variation 4076675 (VCV004076675.1).